The following is an entry in ClinVar:

NM_001134831.2(AHI1):c.2773C>T (p.Gln925Ter)

Gene: AHI1 (Abelson helper integration site 1; minus strand). Cytogenetic location: 6q23.3.
Variant type: single nucleotide variant.
Coding change: c.2773C>T on transcript NM_001134831.2 (MANE Select); coding-DNA position 2773, C replaced by T.
Protein change: p.Gln925Ter; replaces glutamine 925 with a stop codon.
Molecular consequence: nonsense.
Genome position (GRCh38, 1-based): chr6:135,411,536, G>A on the plus strand (C>T on the coding strand, the complement: AHI1 is on the minus strand). VCF-style: chr6-135411536-G-A. GRCh37 (hg19) VCF-style: chr6-135732674-G-A.
Other names: c.2773C>T, p.Gln925Ter (NM_001134830.2, NM_001134832.2, NM_001350503.2 and 2 more transcripts); short protein forms Q925*.
Identifiers: ClinVar variation 2077302 (VCV002077302.4), dbSNP rs2484272408, ClinGen allele CA365846239.

ClinVar aggregate classification (germline): Pathogenic (1 of 4 stars; one submission).

Conditions:
Joubert syndrome. Also called: CEREBELLOPARENCHYMAL DISORDER IV; JOUBERT-BOLTSHAUSER SYNDROME; Familial aplasia of the vermis. Identifiers: Orphanet 475, MedGen C5979921, MONDO:0018772.

Submission:

Labcorp Genetics (formerly Invitae), Labcorp
Classification: Pathogenic for Joubert syndrome. Last evaluated: 2022-01-27. Review status: criteria provided, single submitter. Criteria: Invitae Variant Classification Sherloc (09022015). Collection method: clinical testing. Allele origin: germline.
Comment: This variant has not been reported in the literature in individuals affected with AHI1-related conditions. This variant is not present in population databases (gnomAD no frequency). This sequence change creates a premature translational stop signal (p.Gln925*) in the AHI1 gene. It is expected to result in an absent or disrupted protein product. Loss-of-function variants in AHI1 are known to be pathogenic (PMID: 15322546, 16453322, 28442542, 29186038). Algorithms developed to predict the effect of sequence changes on RNA splicing suggest that this variant may create or strengthen a splice site. For these reasons, this variant has been classified as Pathogenic.

Literature cited by the submitters: PubMed 15322546; PubMed 16453322; PubMed 28442542; PubMed 29186038.